The following is an entry in ClinVar:

NM_000257.4(MYH7):c.3426G>T (p.Glu1142Asp)

Gene: MYH7 (myosin heavy chain 7; minus strand). Cytogenetic location: 14q11.2.
Variant type: single nucleotide variant.
Coding change: c.3426G>T on transcript NM_000257.4 (MANE Select); coding-DNA position 3426, G replaced by T.
Protein change: p.Glu1142Asp; replaces glutamic acid 1142 with aspartic acid.
Molecular consequence: missense variant.
Genome position (GRCh38, 1-based): chr14:23,420,145, C>A on the plus strand (G>T on the coding strand, the complement: MYH7 is on the minus strand). VCF-style: chr14-23420145-C-A. GRCh37 (hg19) VCF-style: chr14-23889354-C-A.
Other names: c.3426G>T, p.Glu1142Asp (NM_001407004.1); short protein forms E1142D.
Identifiers: ClinVar variation 5025176 (VCV005025176.1).

ClinVar aggregate classification (germline): Uncertain significance (1 of 4 stars; one submission).

Conditions:
Cardiovascular phenotype. Identifiers: MedGen CN230736.

Submission:

Ambry Genetics
Classification: Uncertain significance for Cardiovascular phenotype. Last evaluated: 2026-08-16. Review status: criteria provided, single submitter. Criteria: Ambry Variant Classification Scheme 2023. Collection method: clinical testing. Allele origin: germline.
Comment: The p.E1142D variant (also known as c.3426G>T), located in coding exon 25 of the MYH7 gene, results from a G to T substitution at nucleotide position 3426. The glutamic acid at codon 1142 is replaced by aspartic acid, an amino acid with highly similar properties. This amino acid position is conserved. In addition, the in silico prediction for this alteration is inconclusive. Based on the available evidence, the clinical significance of this variant remains unclear.